The following is an entry in ClinVar:

NM_182914.3(SYNE2):c.2234A>G (p.Gln745Arg)

Gene: SYNE2 (spectrin repeat containing nuclear envelope protein 2; plus strand). Cytogenetic location: 14q23.2.
Variant type: single nucleotide variant.
Coding change: c.2234A>G on transcript NM_182914.3 (MANE Select); coding-DNA position 2234, A replaced by G.
Protein change: p.Gln745Arg; replaces glutamine 745 with arginine.
Molecular consequence: missense variant.
Genome position (GRCh38, 1-based): chr14:63,986,538, A>G. VCF-style: chr14-63986538-A-G. GRCh37 (hg19) VCF-style: chr14-64453256-A-G.
Other names: c.2234A>G, p.Gln745Arg (NM_015180.6); c.2234A>G (NM_182914.2); short protein forms Q745R.
Identifiers: ClinVar variation 1388159 (VCV001388159.7), dbSNP rs185674511, ClinGen allele CA7219639.

ClinVar aggregate classification (germline): Uncertain significance. Review status: criteria provided, multiple submitters, no conflicts (2 of 4 stars). 2 submissions from 2 submitters: Uncertain significance (2). Last evaluated 2023-11-10.

Conditions:
Emery-Dreifuss muscular dystrophy 5, autosomal dominant (EDMD5). Also called: EMERY-DREIFUSS MUSCULAR DYSTROPHY 5. Identifiers: Orphanet 261, MedGen C2751805, MONDO:0013072, OMIM 612999.

Allele frequency attached by ClinVar (database versions not stated): gnomAD 0.00001 and 0.00003; gnomAD exomes 0.00001; ExAC 0.00002; TOPMed 0.00003; 1000 Genomes Project 30x 0.00031; 1000 Genomes Project 0.00040.
gnomAD v4.1: 17 of 1,614,188 alleles (0.0011%); highest among the groups gnomAD compares: African/African-American, 0.02%; no homozygotes.

Submissions (2):

Labcorp Genetics (formerly Invitae), Labcorp
Classification: Uncertain significance for Emery-Dreifuss muscular dystrophy 5, autosomal dominant. Last evaluated: 2023-11-10. Review status: criteria provided, single submitter. Criteria: Invitae Variant Classification Sherloc (09022015). Collection method: clinical testing. Allele origin: germline.
Comment: This sequence change replaces glutamine, which is neutral and polar, with arginine, which is basic and polar, at codon 745 of the SYNE2 protein (p.Gln745Arg). This variant is present in population databases (rs185674511, gnomAD 0.008%). This variant has not been reported in the literature in individuals affected with SYNE2-related conditions. ClinVar contains an entry for this variant (Variation ID: 1388159). An algorithm developed to predict the effect of missense changes on protein structure and function (PolyPhen-2) suggests that this variant is likely to be tolerated. In summary, the available evidence is currently insufficient to determine the role of this variant in disease. Therefore, it has been classified as a Variant of Uncertain Significance.

Ambry Genetics
Classification: Uncertain significance. Last evaluated: 2022-11-18. Review status: criteria provided, single submitter. Criteria: Ambry Variant Classification Scheme 2023. Collection method: clinical testing. Allele origin: germline.